The following is an entry in ClinVar:

NM_000548.5(TSC2):c.3653C>A (p.Pro1218His)

Gene: TSC2 (TSC complex subunit 2; plus strand). Cytogenetic location: 16p13.3.
Variant type: single nucleotide variant.
Coding change: c.3653C>A on transcript NM_000548.5 (MANE Select); coding-DNA position 3653, C replaced by A.
Protein change: p.Pro1218His; replaces proline 1218 with histidine.
Molecular consequence: missense variant.
Genome position (GRCh38, 1-based): chr16:2,081,637, C>A. VCF-style: chr16-2081637-C-A. GRCh37 (hg19) VCF-style: chr16-2131638-C-A.
Other names: c.3521C>A, p.Pro1174His (NM_001077183.3, NM_001370404.1, NM_001406665.1); c.3653C>A, p.Pro1218His (NM_001114382.3); c.3413C>A, p.Pro1138His (NM_001318827.2); c.3377C>A, p.Pro1126His (NM_001318829.2); c.2921C>A, p.Pro974His (NM_001318831.2, NM_001406687.1, NM_001406688.1); c.3554C>A, p.Pro1185His (NM_001318832.2); c.3524C>A, p.Pro1175His (NM_001363528.2, NM_001370405.1, NM_021055.3); c.3650C>A, p.Pro1217His (NM_001406663.1, NM_001406664.1); and 18 more; short protein forms P1018H, P1021H, P1125H, P1174H, P1175H, P1217H, P1138H, P1204H.
Identifiers: ClinVar variation 1733615 (VCV001733615.3), dbSNP rs2090154693, ClinGen allele CA394291998.

ClinVar aggregate classification (germline): Uncertain significance. Review status: criteria provided, multiple submitters, no conflicts (2 of 4 stars). 2 submissions from 2 submitters: Uncertain significance (2). Last evaluated 2025-03-30.

Conditions:
Hereditary cancer-predisposing syndrome. Also called: Neoplastic Syndromes, Hereditary; Tumor predisposition; Hereditary Cancer Syndrome; Hereditary neoplastic syndrome. Identifiers: Orphanet 140162, MedGen C0027672, MeSH D009386, MONDO:0015356.
Tuberous sclerosis 2 (TSC2). Identifiers: Orphanet 805, MedGen C1860707, MONDO:0013199, OMIM 613254.

Submissions (2):

Labcorp Genetics (formerly Invitae), Labcorp
Classification: Uncertain significance for Tuberous sclerosis 2. Last evaluated: 2025-03-30. Review status: criteria provided, single submitter. Criteria: Invitae Variant Classification Sherloc (09022015). Collection method: clinical testing. Allele origin: germline.
Comment: This sequence change replaces proline, which is neutral and non-polar, with histidine, which is basic and polar, at codon 1218 of the TSC2 protein (p.Pro1218His). This variant is not present in population databases (gnomAD no frequency). This variant has not been reported in the literature in individuals affected with TSC2-related conditions. ClinVar contains an entry for this variant (Variation ID: 1733615). Invitae Evidence Modeling of protein sequence and biophysical properties (such as structural, functional, and spatial information, amino acid conservation, physicochemical variation, residue mobility, and thermodynamic stability) indicates that this missense variant is not expected to disrupt TSC2 protein function with a negative predictive value of 95%. In summary, the available evidence is currently insufficient to determine the role of this variant in disease. Therefore, it has been classified as a Variant of Uncertain Significance.

Ambry Genetics
Classification: Uncertain significance for Hereditary cancer-predisposing syndrome. Last evaluated: 2022-07-02. Review status: criteria provided, single submitter. Criteria: Ambry Variant Classification Scheme 2023. Collection method: clinical testing. Allele origin: germline.
Comment: The p.P1218H variant (also known as c.3653C>A), located in coding exon 30 of the TSC2 gene, results from a C to A substitution at nucleotide position 3653. The proline at codon 1218 is replaced by histidine, an amino acid with similar properties. This amino acid position is conserved. In addition, this alteration is predicted to be deleterious by in silico analysis. Since supporting evidence is limited at this time, the clinical significance of this alteration remains unclear.